The following is an entry in ClinVar:

ClinVar aggregate classification (germline): Benign (0 of 4 stars; one submission).

Conditions:
MALT1-related disorder. Also called: MALT1-related condition.

Submission:

PreventionGenetics, part of Exact Sciences
Classification: Benign for MALT1-related condition. Last evaluated: 2019-06-27. Review status: no assertion criteria provided. Collection method: clinical testing. Allele origin: germline.
Comment: This variant is classified as benign based on ACMG/AMP sequence variant interpretation guidelines (Richards et al. 2015 PMID: 25741868, with internal and published modifications).

NM_006785.4(MALT1):c.377-3del

Gene: MALT1 (MALT1 paracaspase; plus strand). Cytogenetic location: 18q21.32.
Variant type: Deletion.
Coding change: c.377-3del on transcript NM_006785.4 (MANE Select); 3 bases into the intron before coding-DNA position 377, one base deleted (T; older notation c.377-3delT).
Molecular consequence: intron variant.
Genome position (GRCh38, 1-based): chr18:58,696,363, T deleted; the last of 26 consecutive T bases (chr18:58,696,338-58,696,363); deleting any one gives the same sequence. VCF-style (leftmost placement, unchanged base first): chr18-58696337-AT-A. GRCh37 (hg19) VCF-style: chr18-56363569-AT-A.
Other names: c.377-3del (NM_173844.3).
Identifiers: ClinVar variation 3059852 (VCV003059852.2), dbSNP rs574285957, ClinGen allele CA8977627.